The following is an entry in ClinVar:

ClinVar aggregate classification (germline): Uncertain significance (1 of 4 stars; one submission).

Submission:

GeneDx
Classification: Uncertain significance. Last evaluated: 2020-08-19. Review status: criteria provided, single submitter. Criteria: GeneDx Variant Classification Process June 2021. Collection method: clinical testing. Allele origin: germline. Affected: yes.
Comment: Not observed in large population cohorts (Lek et al., 2016); In silico analysis, which includes protein predictors and evolutionary conservation, supports a deleterious effect; Has not been previously published as pathogenic or benign to our knowledge

NM_015346.4(ZFYVE26):c.2228T>A (p.Val743Glu)

Gene: ZFYVE26 (zinc finger FYVE-type containing 26; minus strand). Cytogenetic location: 14q24.1.
Variant type: single nucleotide variant.
Coding change: c.2228T>A on transcript NM_015346.4 (MANE Select); coding-DNA position 2228, T replaced by A.
Protein change: p.Val743Glu; replaces valine 743 with glutamic acid.
Molecular consequence: missense variant.
Genome position (GRCh38, 1-based): chr14:67,798,034, A>T on the plus strand (T>A on the coding strand, the complement: ZFYVE26 is on the minus strand). VCF-style: chr14-67798034-A-T. GRCh37 (hg19) VCF-style: chr14-68264751-A-T.
Other names: short protein forms V743E.
Identifiers: ClinVar variation 1305989 (VCV001305989.2), dbSNP rs2140242584, ClinGen allele CA390174897.
Genomic context (GRCh38, chr14:67,798,034, plus strand): 5'-TCTCCACCTTCTGGTCCCACCAGTTCCACCCTTCTCTCACCTGAACGATGGTTGCTTGTC[A>T]CCACCTTGTGTCTCCACTGGGCCTCAGAGACAACCTTGGAAAGTCGATGCAGGCGGCTCT-3'
Protein context (NP_056161.2, residues 733-753): VSEAQWRHKV[Val743Glu]TSNHRSEEQP